The following is an entry in ClinVar:

NM_000275.3(OCA2):c.1365-1G>A

Gene: OCA2 (OCA2 melanosomal transmembrane protein; minus strand). Cytogenetic location: 15q13.1.
Variant type: single nucleotide variant.
Coding change: c.1365-1G>A on transcript NM_000275.3 (MANE Select); the canonical splice acceptor site of the intron before coding-DNA position 1365, G replaced by A.
Molecular consequence: splice acceptor variant.
Genome position (GRCh38, 1-based): chr15:27,983,484, C>T on the plus strand (G>A on the coding strand, the complement: OCA2 is on the minus strand). VCF-style: chr15-27983484-C-T. GRCh37 (hg19) VCF-style: chr15-28228630-C-T.
Other names: c.1293-1G>A (NM_001300984.2).
Identifiers: ClinVar variation 1700025 (VCV001700025.5), dbSNP rs2140965742, ClinGen allele CA391359987.

ClinVar aggregate classification (germline): Pathogenic. Review status: criteria provided, multiple submitters, no conflicts (2 of 4 stars). 3 submissions from 3 submitters: Pathogenic (3). Last evaluated 2024-07-09.

Conditions:
Tyrosinase-positive oculocutaneous albinism (OCA2). Also called: ALBINISM II; Oculocutaneous albinism type 2; Albinism, oculocutaneous, type II. Identifiers: Orphanet 79432, MedGen C0268495, MONDO:0008746, OMIM 203200.
OCA2-related disorder. Also called: OCA2-related condition.

Allele frequency attached by ClinVar (database versions not stated): gnomAD exomes 0.00001.
gnomAD v4.1: 19 of 1,614,168 alleles (0.0012%); highest among the groups gnomAD compares: Non-Finnish European, 0.0016%; no homozygotes.

Submissions (3):

Blueprint Genetics
Classification: Pathogenic for OCA2-related disorders. Last evaluated: 2024-07-09. Review status: criteria provided, single submitter. Criteria: ACMG Guidelines, 2015. Collection method: clinical testing. Allele origin: germline. Affected: yes. Observed: 2 variant alleles.

Labcorp Genetics (formerly Invitae), Labcorp
Classification: Pathogenic. Last evaluated: 2023-11-06. Review status: criteria provided, single submitter. Criteria: Invitae Variant Classification Sherloc (09022015). Collection method: clinical testing. Allele origin: germline.
Comment: This sequence change affects an acceptor splice site in intron 13 of the OCA2 gene. It is expected to disrupt RNA splicing. Variants that disrupt the donor or acceptor splice site typically lead to a loss of protein function (PMID: 16199547), and loss-of-function variants in OCA2 are known to be pathogenic (PMID: 19865097, 21541274). This variant is not present in population databases (gnomAD no frequency). Disruption of this splice site has been observed in individuals with ocular albinism (PMID: 36116698). ClinVar contains an entry for this variant (Variation ID: 1700025). Algorithms developed to predict the effect of sequence changes on RNA splicing suggest that this variant may disrupt the consensus splice site. For these reasons, this variant has been classified as Pathogenic.

Centre for Human Genetics, University of Kinshasa
Classification: Pathogenic for Tyrosinase-positive oculocutaneous albinism. Last evaluated: 2022-08-06. Review status: criteria provided, single submitter. Criteria: ACMG Guidelines, 2015. Collection method: clinical testing. Allele origin: germline. Inheritance: Autosomal recessive inheritance. Affected: yes. Observed: 3 variant alleles.
Comment: This sequence change replaces a Guanine with an Arginine at a canonical splice site. This variant is absent from population databases, including gnomAD. We identified this variant in a heterozygous state in 3 patients with Tyrosinase-positive oculocutaneous albinism in the Democratic Republic of Congo (DRC). All three patients were known to be heterozygous for the classic 2.7 deletion in the OCA2 gene. Segregation analysis was not performed to unequivocally establish co-segregation with the 2.7 deletion. This variant was classified as pathogenic according to the ACMG guidelines.

Literature cited by the submitters: PubMed 16199547 (cited by Labcorp Genetics (formerly Invitae), Labcorp); PubMed 19865097 (cited by Labcorp Genetics (formerly Invitae), Labcorp); PubMed 21541274 (cited by Labcorp Genetics (formerly Invitae), Labcorp); PubMed 36116698 (cited by Labcorp Genetics (formerly Invitae), Labcorp).